The following is an entry in ClinVar:

NM_001034853.2(RPGR):c.3337G>T (p.Gly1113Ter)

Gene: RPGR (retinitis pigmentosa GTPase regulator; minus strand). Cytogenetic location: Xp11.4.
Variant type: single nucleotide variant.
Coding change: c.3337G>T on transcript NM_001034853.2 (MANE Select); coding-DNA position 3337, G replaced by T.
Protein change: p.Gly1113Ter; replaces glycine 1113 with a stop codon.
Molecular consequence: nonsense. On other transcripts: intron variant (8).
Genome position (GRCh38, 1-based): chrX:38,285,662, C>A on the plus strand (G>T on the coding strand, the complement: RPGR is on the minus strand). VCF-style: chrX-38285662-C-A. GRCh37 (hg19) VCF-style: chrX-38144915-C-A.
Other names: c.1569+5297G>T (NM_001367250.1, NM_001367249.1); c.1902+1432G>T (NM_001367245.1); c.1386+5297G>T (NM_001367251.1); c.1719+1432G>T (NM_001367246.1); c.1572+5297G>T (NM_001367247.1); c.1905+1432G>T (NM_000328.3); c.1602+5297G>T (NM_001367248.1); short protein forms G1113*.
Identifiers: ClinVar variation 4856797 (VCV004856797.2).

ClinVar aggregate classification (germline): Likely pathogenic. Review status: criteria provided, single submitter (1 of 4 stars). 2 submissions from 2 submitters: Likely pathogenic (1). 1 of the submissions does not count toward it. Last evaluated 2024-08-22.

Conditions:
Retinitis pigmentosa 3. Also called: CHOROIDORETINAL DEGENERATION WITH RETINAL REFLEX IN HETEROZYGOUS WOMEN. Identifiers: Orphanet 791, MedGen C1845667, MONDO:0010227, OMIM 300029.
RPGR-related disorder. Also called: RPGR-related condition.

Submissions (2):

Blueprint Genetics
Classification: Likely pathogenic for RPGR-related disorders. Last evaluated: 2024-08-22. Review status: criteria provided, single submitter. Criteria: ACMG Guidelines, 2015. Collection method: clinical testing. Allele origin: germline. Affected: yes. Observed: 1 variant allele.

Department of Medical Genetics, Unidade Local de Saúde de Coimbra
Classification: Likely pathogenic for Retinitis pigmentosa 3. Review status: no assertion criteria provided. Collection method: clinical testing. Allele origin: unknown. Inheritance: X-linked inheritance. Affected: yes. Observed: 1 variant allele, 1 hemizygote. Not counted in ClinVar's aggregate classification.
Comment: The variant c.3337G>T in RPGR results in a premature termination codon at amino acid position 1113 (p.Gly1113Ter), predicting truncation of the encoded protein. This is a nonsense variant located within the coding region of RPGR. This variant was identified in a Portuguese family affected by X‑linked retinitis pigmentosa (XLRP) and was not detected in large population databases.

Literature cited by the submitters: PubMed 42521440 (cited by Department of Medical Genetics, Unidade Local de Saúde de Coimbra).